The following is an entry in ClinVar:

NM_001032386.2(SUOX):c.1018A>T (p.Met340Leu)

Gene: SUOX (sulfite oxidase; plus strand). Cytogenetic location: 12q13.2.
Variant type: single nucleotide variant.
Coding change: c.1018A>T on transcript NM_001032386.2 (MANE Select); coding-DNA position 1018, A replaced by T.
Protein change: p.Met340Leu; replaces methionine 340 with leucine.
Molecular consequence: missense variant.
Genome position (GRCh38, 1-based): chr12:56,004,407, A>T. VCF-style: chr12-56004407-A-T. GRCh37 (hg19) VCF-style: chr12-56398191-A-T.
Other names: c.1018A>T, p.Met340Leu (NM_000456.3, NM_001032387.2); short protein forms M340L.
Identifiers: ClinVar variation 1507938 (VCV001507938.9), dbSNP rs765451268, ClinGen allele CA385290405.

ClinVar aggregate classification (germline): Uncertain significance (1 of 4 stars; one submission).

Conditions:
Sulfite oxidase deficiency. Also called: Isolated sulfite oxidase deficiency. Identifiers: Orphanet 833, Orphanet 99731, MedGen C0268624, MONDO:0010089, OMIM 272300, HP:0003643.

Submission:

Labcorp Genetics (formerly Invitae), Labcorp
Classification: Uncertain significance for Sulfite oxidase deficiency. Last evaluated: 2022-06-27. Review status: criteria provided, single submitter. Criteria: Invitae Variant Classification Sherloc (09022015). Collection method: clinical testing. Allele origin: germline.
Comment: In summary, the available evidence is currently insufficient to determine the role of this variant in disease. Therefore, it has been classified as a Variant of Uncertain Significance. Algorithms developed to predict the effect of missense changes on protein structure and function output the following: SIFT: "Tolerated"; PolyPhen-2: "Benign"; Align-GVGD: "Class C0". The leucine amino acid residue is found in multiple mammalian species, which suggests that this missense change does not adversely affect protein function. This variant is not present in population databases (gnomAD no frequency). This variant has not been reported in the literature in individuals affected with SUOX-related conditions. This sequence change replaces methionine, which is neutral and non-polar, with leucine, which is neutral and non-polar, at codon 340 of the SUOX protein (p.Met340Leu).